The following is an entry in ClinVar:

NM_015100.4(POGZ):c.3337C>G (p.His1113Asp)

Gene: POGZ (pogo transposable element derived with ZNF domain; minus strand). Cytogenetic location: 1q21.3.
Variant type: single nucleotide variant.
Coding change: c.3337C>G on transcript NM_015100.4 (MANE Select); coding-DNA position 3337, C replaced by G.
Protein change: p.His1113Asp; replaces histidine 1113 with aspartic acid.
Molecular consequence: missense variant.
Genome position (GRCh38, 1-based): chr1:151,405,698, G>C on the plus strand (C>G on the coding strand, the complement: POGZ is on the minus strand). VCF-style: chr1-151405698-G-C. GRCh37 (hg19) VCF-style: chr1-151378174-G-C.
Other names: c.3310C>G, p.His1104Asp (NM_001194937.2); c.3151C>G, p.His1051Asp (NM_001194938.2); c.3358C>G, p.His1120Asp (NM_001410860.1); c.3052C>G, p.His1018Asp (NM_145796.4); c.3178C>G, p.His1060Asp (NM_207171.2); short protein forms H1018D, H1104D, H1120D, H1051D, H1060D, H1113D.
Identifiers: ClinVar variation 2397799 (VCV002397799.3), dbSNP rs1259887848, ClinGen allele CA341943855.

ClinVar aggregate classification (germline): Uncertain significance. Review status: criteria provided, multiple submitters, no conflicts (2 of 4 stars). 2 submissions from 2 submitters: Uncertain significance (2). Last evaluated 2023-04-18.

Conditions:
Inborn genetic diseases. Identifiers: MedGen C0950123, MeSH D030342.
POGZ-related disorder. Also called: POGZ-related condition.

Submissions (2):

PreventionGenetics, part of Exact Sciences
Classification: Uncertain significance for POGZ-related condition. Last evaluated: 2023-04-18. Review status: criteria provided, single submitter. Criteria: ACMG Guidelines, 2015. Collection method: clinical testing. Allele origin: germline.
Comment: The POGZ c.3337C>G variant is predicted to result in the amino acid substitution p.His1113Asp. To our knowledge, this variant has not been reported in the literature. This variant is reported in 0.0065% of alleles in individuals of European (Non-Finnish) descent in gnomAD. At this time, the clinical significance of this variant is uncertain due to the absence of conclusive functional and genetic evidence.

Ambry Genetics
Classification: Uncertain significance for Inborn genetic diseases. Last evaluated: 2022-03-25. Review status: criteria provided, single submitter. Criteria: Ambry Variant Classification Scheme 2023. Collection method: clinical testing. Allele origin: germline.